The following is an entry in ClinVar:

ClinVar aggregate classification (germline): Uncertain significance. Review status: criteria provided, multiple submitters, no conflicts (2 of 4 stars). 3 submissions from 3 submitters: Uncertain significance (3). Last evaluated 2025-10-30.

Conditions:
Irido-corneo-trabecular dysgenesis (ASGD5). Also called: ANTERIOR SEGMENT DYSGENESIS 5. Identifiers: Orphanet 708, MedGen C0344559, MONDO:0011414, OMIM 604229, HP:0000659.
Aniridia 1 (AN1). Identifiers: Orphanet 250923, MedGen C0344542, MONDO:0024507, OMIM 106210.
Inborn genetic diseases. Identifiers: MedGen C0950123, MeSH D030342.
PAX6-related disorder. Also called: PAX6-related disorders; PAX6-related condition.

Allele frequency attached by ClinVar (database versions not stated): gnomAD exomes 0.00001 and below 0.00001; TOPMed 0.00002; ExAC 0.00001.
gnomAD v4.1: 19 of 1,614,240 alleles (0.0012%); highest among the groups gnomAD compares: Non-Finnish European, 0.0015%; no homozygotes.

Submissions (3):

PreventionGenetics, part of Exact Sciences
Classification: Uncertain significance for PAX6-related condition. Last evaluated: 2025-10-30. Review status: criteria provided, single submitter. Criteria: ACMG Guidelines, 2015. Collection method: clinical testing. Allele origin: germline.
Comment: The PAX6 c.470A>G variant is predicted to result in the amino acid substitution p.Tyr157Cys. To our knowledge, this variant has not been reported in the literature. This variant is reported in 0.00088% of alleles in individuals of European (Non-Finnish) descent in gnomAD. At this time, the clinical significance of this variant is uncertain due to the absence of conclusive functional and genetic evidence.

Ambry Genetics
Classification: Uncertain significance for Inborn genetic diseases. Last evaluated: 2024-05-15. Review status: criteria provided, single submitter. Criteria: Ambry Variant Classification Scheme 2023. Collection method: clinical testing. Allele origin: germline.

Labcorp Genetics (formerly Invitae), Labcorp
Classification: Uncertain significance for Aniridia 1; Irido-corneo-trabecular dysgenesis. Last evaluated: 2023-05-08. Review status: criteria provided, single submitter. Criteria: Invitae Variant Classification Sherloc (09022015). Collection method: clinical testing. Allele origin: germline.
Comment: ClinVar contains an entry for this variant (Variation ID: 1377153). In summary, the available evidence is currently insufficient to determine the role of this variant in disease. Therefore, it has been classified as a Variant of Uncertain Significance. Advanced modeling of protein sequence and biophysical properties (such as structural, functional, and spatial information, amino acid conservation, physicochemical variation, residue mobility, and thermodynamic stability) performed at Invitae indicates that this missense variant is not expected to disrupt PAX6 protein function. This variant has not been reported in the literature in individuals affected with PAX6-related conditions. This variant is present in population databases (rs201983312, gnomAD 0.0009%). This sequence change replaces tyrosine, which is neutral and polar, with cysteine, which is neutral and slightly polar, at codon 143 of the PAX6 protein (p.Tyr143Cys).

NM_001368894.2(PAX6):c.470A>G (p.Tyr157Cys)

Gene: PAX6 (paired box 6; minus strand). Cytogenetic location: 11p13.
Variant type: single nucleotide variant.
Coding change: c.470A>G on transcript NM_001368894.2 (MANE Select); coding-DNA position 470, A replaced by G.
Protein change: p.Tyr157Cys; replaces tyrosine 157 with cysteine.
Molecular consequence: missense variant. On other transcripts: non-coding transcript variant (2).
Genome position (GRCh38, 1-based): chr11:31,800,786, T>C on the plus strand (A>G on the coding strand, the complement: PAX6 is on the minus strand). VCF-style: chr11-31800786-T-C. GRCh37 (hg19) VCF-style: chr11-31822334-T-C.
Other names: c.470A>G (NM_001604.5); c.428A>G, p.Tyr143Cys (NM_000280.6, NM_001127612.3, NM_001258464.2 and 10 more transcripts); c.470A>G, p.Tyr157Cys (NM_001258462.3, NM_001258463.2, NM_001310158.2 and 6 more transcripts); c.20A>G, p.Tyr7Cys (NM_001310160.2, NM_001310161.3, NM_001368899.2 and 11 more transcripts); c.671A>G, p.Tyr224Cys (NM_001368910.2); c.473A>G, p.Tyr158Cys (NM_001368911.2); c.545A>G, p.Tyr182Cys (NM_001368918.2, NM_001368919.2); c.503A>G, p.Tyr168Cys (NM_001368920.2); and 3 more; short protein forms Y168C, Y224C, Y143C, Y90C, Y158C, Y157C, Y182C, Y76C.
Identifiers: ClinVar variation 1377153 (VCV001377153.8), dbSNP rs201983312, ClinGen allele CA5933877.